The following is an entry in ClinVar:

NM_014023.4(WDR37):c.429A>G (p.Arg143=)

Gene: WDR37 (WD repeat domain 37; plus strand). Cytogenetic location: 10p15.3.
Variant type: single nucleotide variant.
Coding change: c.429A>G on transcript NM_014023.4 (MANE Select); coding-DNA position 429, A replaced by G.
Protein change: p.Arg143=; no amino-acid change (arginine 143 retained).
Molecular consequence: synonymous variant.
Genome position (GRCh38, 1-based): chr10:1,084,435, A>G. VCF-style: chr10-1084435-A-G. GRCh37 (hg19) VCF-style: chr10-1130375-A-G.
Identifiers: ClinVar variation 3054333 (VCV003054333.2), dbSNP rs145861438, ClinGen allele CA5383973.
Genomic context (GRCh38, chr10:1,084,435, plus strand): 5'-TTCACAAGACTCCCCATCTTGGTTTCAGATTGTCTCCAGCTTTAAGACCACGACATCGAG[A>G]GCTGCCTGCCAGCTCGTGAAGGAGTACATCGGCCACCGGGACGGCATCTGGGATGTCAGC-3'
Protein context (NP_054742.2, residues 133-153): IVSSFKTTTS[Arg143=]AACQLVKEYI

ClinVar aggregate classification (germline): Likely benign (0 of 4 stars; one submission).

Conditions:
WDR37-related disorder. Also called: WDR37-related condition.

Allele frequency attached by ClinVar (database versions not stated): gnomAD exomes 0.00010; ExAC 0.00019; gnomAD 0.00021; ESP Exome Variant Server 0.00031; TOPMed 0.00032.
gnomAD v4.1: 198 of 1,614,020 alleles (0.012%); highest among the groups gnomAD compares: African/African-American, 0.075%; 2 homozygotes.

Submission:

PreventionGenetics, part of Exact Sciences
Classification: Likely benign for WDR37-related condition. Last evaluated: 2020-04-29. Review status: no assertion criteria provided. Collection method: clinical testing. Allele origin: germline.
Comment: This variant is classified as likely benign based on ACMG/AMP sequence variant interpretation guidelines (Richards et al. 2015 PMID: 25741868, with internal and published modifications).